The following is an entry in ClinVar:

ClinVar aggregate classification (germline): Pathogenic. Review status: criteria provided, multiple submitters, no conflicts (2 of 4 stars). 8 submissions from 8 submitters: Pathogenic (5). 3 of the submissions do not count toward it. Last evaluated 2025-08-06.

Conditions:
Spastic paraplegia. Identifiers: MedGen C0037772, HP:0001258.
Hereditary spastic paraplegia 47. Also called: adaptor protein 4 (AP-4) deficiency syndrome; CEREBRAL PALSY, SPASTIC QUADRIPLEGIC, 5; Spastic paraplegia 47, autosomal recessive. Identifiers: Orphanet 280763, MedGen C3279738, MONDO:0013551, OMIM 614066.

Allele frequency attached by ClinVar (database versions not stated): gnomAD exomes below 0.00001.

Submissions (8):

3billion
Classification: Pathogenic for Hereditary spastic paraplegia 47. Last evaluated: 2025-08-06. Review status: criteria provided, single submitter. Criteria: ACMG Guidelines, 2015. Collection method: clinical testing. Allele origin: germline. Affected: yes.
Comment: The variant is observed at an extremely low frequency in the gnomAD v4.1.0 dataset (total allele frequency: <0.001%). Predicted Consequence/Location: Frameshift: predicted to result in a loss or disruption of normal protein function through nonsense-mediated decay (NMD) or protein truncation. Multiple pathogenic variants are reported downstream of the variant. The variant has been reported at least twice as pathogenic with clinical assertions and evidence for the classification (ClinVar ID: VCV000817040 /PMID: 22290197 /3billion dataset). Therefore, this variant is classified as Pathogenic according to the recommendation of ACMG/AMP guideline.

Genomic Medicine Center of Excellence, King Faisal Specialist Hospital and Research Centre
Classification: Pathogenic for Hereditary spastic paraplegia 47. Last evaluated: 2024-03-25. Review status: criteria provided, single submitter. Criteria: ACMG Guidelines, 2015. Collection method: clinical testing. Allele origin: germline.

GeneDx
Classification: Pathogenic. Last evaluated: 2023-10-25. Review status: criteria provided, single submitter. Criteria: GeneDx Variant Classification Process June 2021. Collection method: clinical testing. Allele origin: germline. Affected: yes.
Comment: Frameshift variant predicted to result in protein truncation or nonsense mediated decay in a gene for which loss of function is a known mechanism of disease; Not observed at significant frequency in large population cohorts (gnomAD); This variant is associated with the following publications: (PMID: 24781758, 22290197, 29193663, 25693842, 29430868, 24065543, 24700674, 32056211, 33144682)

Revvity Omics, Revvity
Classification: Pathogenic for Hereditary spastic paraplegia 47. Last evaluated: 2023-05-16. Review status: criteria provided, single submitter. Criteria: ACMG Guidelines, 2015. Collection method: clinical testing. Allele origin: germline.

Breakthrough Genomics
Classification: Pathogenic for Hereditary spastic paraplegia 47. Last evaluated: 2020-02-01. Review status: criteria provided, single submitter. Criteria: ACMG Guidelines, 2015. Collection method: clinical testing. Allele origin: germline. Affected: yes.
Comment: This variant has been previously reported in a consanguineous Arabic family with two affected siblings with progressive spastic paraparesis, intellectual disability, seizures, periventricular white matter changes and thin corpus callosum in homozygous state and absent in controls studied [PMID: 22290197].

Yale Center for Mendelian Genomics, Yale University
Classification: Likely pathogenic for Spastic paraplegia. Last evaluated: 2020-10-01. Review status: no assertion criteria provided. Collection method: literature only. Allele origin: germline. Affected: yes. Observed: 3 homozygotes. Study: Yale Center for Mendelian Genomics. Not counted in ClinVar's aggregate classification.

NOVIN Medical Genetic Laboratory
Classification: Pathogenic for Hereditary spastic paraplegia 47. Last evaluated: 2019-02-02. Review status: no assertion criteria provided. Collection method: clinical testing. Allele origin: germline. Inheritance: Autosomal recessive inheritance. Affected: yes. Observed: 1 homozygote. Not counted in ClinVar's aggregate classification.

OMIM
Classification: Pathogenic for SPASTIC PARAPLEGIA 47, AUTOSOMAL RECESSIVE. Last evaluated: 2012-02-01. Review status: no assertion criteria provided. Collection method: literature only. Allele origin: germline. Not counted in ClinVar's aggregate classification.

Literature cited by the submitters: PubMed 22290197 (cited by 3billion and OMIM); PubMed 32979048 (cited by Yale Center for Mendelian Genomics, Yale University).

NM_001253852.3(AP4B1):c.664del (p.Leu222fs)

Genes: AP4B1 (adaptor related protein complex 4 subunit beta 1; minus strand), AP4B1-AS1 (AP4B1 antisense RNA 1; plus strand). Cytogenetic location: 1p13.2.
Variant type: Deletion.
Coding change: c.664del on transcript NM_001253852.3 (MANE Select); coding-DNA position 664, one base deleted (C; older notation c.664delC).
Protein change: p.Leu222fs; shifts the reading frame from leucine 222.
Molecular consequence: frameshift variant. On other transcripts: non-coding transcript variant (2).
Genome position (GRCh38, 1-based): chr1:113,900,354, G deleted on the plus strand (C on the coding strand, the reverse complement: AP4B1 is on the minus strand). VCF-style (leftmost placement, unchanged base first): chr1-113900353-AG-A. GRCh37 (hg19) VCF-style: chr1-114442975-AG-A.
Other names: p.Leu222CysfsTer31; c.664del (NM_006594.3, NM_001253852.2); c.367del, p.Leu123fs (NM_001253853.3); c.160del, p.Leu54fs (NM_001308312.2); c.664del, p.Leu222fs (NM_006594.5); short protein forms L222fs, L123fs, L54fs.
Identifiers: ClinVar variation 817040 (VCV000817040.13), dbSNP rs1571563769, ClinGen allele CA915941389.